The following is an entry in ClinVar:

NM_000891.3(KCNJ2):c.*108G>A

Gene: KCNJ2 (potassium inwardly rectifying channel subfamily J member 2; plus strand). Cytogenetic location: 17q24.3.
Variant type: single nucleotide variant.
Coding change: c.*108G>A on transcript NM_000891.3 (MANE Select); 108 bases downstream of the stop codon, G replaced by A.
Molecular consequence: 3 prime UTR variant.
Genome position (GRCh38, 1-based): chr17:70,176,431, G>A. VCF-style: chr17-70176431-G-A. GRCh37 (hg19) VCF-style: chr17-68172572-G-A.
Identifiers: ClinVar variation 890186 (VCV000890186.4), dbSNP rs188588568, ClinGen allele CA293702948.

ClinVar aggregate classification (germline): Conflicting classifications of pathogenicity. Review status: criteria provided, conflicting classifications (1 of 4 stars). 3 submissions from 1 submitter: Uncertain significance (1); Benign (2). Last evaluated 2018-01-13.

Conditions:
Atrial fibrillation, familial, 9 (ATFB9). Identifiers: MedGen C3151431, MONDO:0013513, OMIM 613980.
Short QT syndrome type 3. Identifiers: Orphanet 51083, MedGen C1865018, MONDO:0012314, OMIM 609622.
Andersen Tawil syndrome (LQT7). Also called: ANDERSEN CARDIODYSRHYTHMIC PERIODIC PARALYSIS; LONG QT SYNDROME 7; PERIODIC PARALYSIS, POTASSIUM-SENSITIVE CARDIODYSRHYTHMIC TYPE; Andersen Syndrome; Potassium-sensitive periodic paralysis, ventricular ectopy, and dysmorphic features. Identifiers: Orphanet 37553, MedGen C1563715, MONDO:0008222, OMIM 170390.

Allele frequency attached by ClinVar (database versions not stated): gnomAD 0.00017; TOPMed 0.00021; 1000 Genomes Project 0.00040; 1000 Genomes Project 30x 0.00047.
gnomAD v4.1: 198 of 981,422 alleles (0.02%); highest among the groups gnomAD compares: Middle Eastern, 0.73%; 1 homozygote.

Submissions (3):

Illumina Laboratory Services, Illumina
Classification: Benign for Andersen Tawil syndrome. Last evaluated: 2018-01-13. Review status: criteria provided, single submitter. Criteria: ICSL Variant Classification Criteria 13 December 2019. Collection method: clinical testing. Allele origin: germline.
Comment: This variant was observed in the ICSL laboratory as part of a predisposition screen in an ostensibly healthy population. It had not been previously curated by ICSL or reported in the Human Gene Mutation Database (HGMD: prior to June 1st, 2018), and was therefore a candidate for classification through an automated scoring system. Utilizing variant allele frequency, disease prevalence and penetrance estimates, and inheritance mode, an automated score was calculated to assess if this variant is too frequent to cause the disease. Based on the score and internal cut-off values, a variant classified as benign is not then subjected to further curation. The score for this variant resulted in a classification of benign for this disease.

Illumina Laboratory Services, Illumina
Classification: Benign for Short QT syndrome type 3. Last evaluated: 2018-01-13. Review status: criteria provided, single submitter. Criteria: ICSL Variant Classification Criteria 13 December 2019. Collection method: clinical testing. Allele origin: germline.
Comment: the same text as in the submission from Illumina Laboratory Services, Illumina above.

Illumina Laboratory Services, Illumina
Classification: Uncertain significance for Atrial fibrillation, familial, 9. Last evaluated: 2018-01-13. Review status: criteria provided, single submitter. Criteria: ICSL Variant Classification Criteria 13 December 2019. Collection method: clinical testing. Allele origin: germline.